The following is an entry in ClinVar:

NM_003227.4(TFR2):c.1106+2T>G

Gene: TFR2 (transferrin receptor 2; minus strand). Cytogenetic location: 7q22.1.
Variant type: single nucleotide variant.
Coding change: c.1106+2T>G on transcript NM_003227.4 (MANE Select); the canonical splice donor site of the intron after coding-DNA position 1106, T replaced by G.
Molecular consequence: splice donor variant.
Genome position (GRCh38, 1-based): chr7:100,631,804, A>C on the plus strand (T>G on the coding strand, the complement: TFR2 is on the minus strand). VCF-style: chr7-100631804-A-C. GRCh37 (hg19) VCF-style: chr7-100229427-A-C.
Other names: c.593+2T>G (NM_001206855.3).
Identifiers: ClinVar variation 2709948 (VCV002709948.3), dbSNP rs762648897, ClinGen allele CA4386602.

ClinVar aggregate classification (germline): Likely pathogenic (1 of 4 stars; one submission).

Conditions:
Hereditary hemochromatosis (HFE). Identifiers: MedGen C0392514, MONDO:0006507. Disease mechanism: loss of function.

Allele frequency attached by ClinVar (database versions not stated): gnomAD exomes below 0.00001; ExAC 0.00001.
gnomAD v4.1: 1 of 1,611,508 alleles (0.000062%); highest among the groups gnomAD compares: South Asian, 0.0011%; no homozygotes.

Submission:

Labcorp Genetics (formerly Invitae), Labcorp
Classification: Likely pathogenic for Hereditary hemochromatosis. Last evaluated: 2024-01-18. Review status: criteria provided, single submitter. Criteria: Invitae Variant Classification Sherloc (09022015). Collection method: clinical testing. Allele origin: germline.
Comment: This sequence change affects a donor splice site in intron 8 of the TFR2 gene. It is expected to disrupt RNA splicing. Variants that disrupt the donor or acceptor splice site typically lead to a loss of protein function (PMID: 16199547), and loss-of-function variants in TFR2 are known to be pathogenic (PMID: 23600741, 26029709). This variant is not present in population databases (gnomAD no frequency). This variant has not been reported in the literature in individuals affected with TFR2-related conditions. Algorithms developed to predict the effect of sequence changes on RNA splicing suggest that this variant may disrupt the consensus splice site. In summary, the currently available evidence indicates that the variant is pathogenic, but additional data are needed to prove that conclusively. Therefore, this variant has been classified as Likely Pathogenic.

Literature cited by the submitters: PubMed 16199547; PubMed 23600741; PubMed 26029709.